The following is an entry in ClinVar:

ClinVar aggregate classification (germline): Benign/Likely benign. Review status: criteria provided, multiple submitters, no conflicts (2 of 4 stars). 7 submissions from 7 submitters: Benign (1); Likely benign (4). 2 of the submissions do not count toward it. Last evaluated 2026-02-02.

Conditions:
Ehlers-Danlos syndrome, kyphoscoliotic type 1 (EDSKSCL1). Also called: Ehlers-Danlos syndrome, hydroxylysine-deficient; EHLERS-DANLOS SYNDROME, OCULAR-SCOLIOTIC TYPE; PLOD1-Related Kyphoscoliotic Ehlers-Danlos Syndrome; EHLERS-DANLOS SYNDROME, TYPE VIA. Identifiers: Orphanet 1900, MedGen C0268342, MONDO:0016002, OMIM 225400. Disease mechanism: loss of function.

Allele frequency attached by ClinVar (database versions not stated): ESP Exome Variant Server 0.00008; 1000 Genomes Project 30x 0.00016; 1000 Genomes Project 0.00020; TOPMed 0.00035; gnomAD 0.00038; ExAC 0.00045; gnomAD exomes 0.00048.

Submissions (7):

Labcorp Genetics (formerly Invitae), Labcorp
Classification: Benign for Ehlers-Danlos syndrome, kyphoscoliotic type 1. Last evaluated: 2026-02-02. Review status: criteria provided, single submitter. Criteria: Invitae Variant Classification Sherloc (09022015). Collection method: clinical testing. Allele origin: germline.

Women's Health and Genetics/Laboratory Corporation of America, LabCorp
Classification: Likely benign. Last evaluated: 2025-05-05. Review status: criteria provided, single submitter. Criteria: LabCorp Variant Classification Summary - May 2015. Collection method: clinical testing. Allele origin: germline.

Blueprint Genetics
Classification: Likely benign. Last evaluated: 2023-10-26. Review status: criteria provided, single submitter. Criteria: ACMG Guidelines, 2015. Collection method: clinical testing. Allele origin: germline.

GeneDx
Classification: Likely benign. Last evaluated: 2019-04-22. Review status: criteria provided, single submitter. Criteria: GeneDx Variant Classification Process June 2021. Collection method: clinical testing. Allele origin: germline. Affected: yes.

Illumina Laboratory Services, Illumina
Classification: Likely benign for Ehlers-Danlos syndrome, kyphoscoliotic type 1. Last evaluated: 2018-01-13. Review status: criteria provided, single submitter. Criteria: ICSL Variant Classification Criteria 13 December 2019. Collection method: clinical testing. Allele origin: germline.
Comment: This variant was observed in the ICSL laboratory as part of a predisposition screen in an ostensibly healthy population. It had not been previously curated by ICSL or reported in the Human Gene Mutation Database (HGMD: prior to June 1st, 2018), and was therefore a candidate for classification through an automated scoring system. Utilizing variant allele frequency, disease prevalence and penetrance estimates, and inheritance mode, an automated score was calculated to assess if this variant is too frequent to cause the disease. Based on the score and internal cut-off values, a variant classified as likely benign is not then subjected to further curation. The score for this variant resulted in a classification of likely benign for this disease.

Genome Diagnostics Laboratory, Amsterdam University Medical Center
Classification: Likely benign. Review status: no assertion criteria provided. Collection method: clinical testing. Allele origin: germline. Affected: yes. Study: VKGL Data-share Consensus. Not counted in ClinVar's aggregate classification.

Genome Diagnostics Laboratory, University Medical Center Utrecht
Classification: Likely benign. Review status: no assertion criteria provided. Collection method: clinical testing. Allele origin: germline. Affected: yes. Study: VKGL Data-share Consensus. Not counted in ClinVar's aggregate classification.

NM_000302.4(PLOD1):c.1756-13C>T

Gene: PLOD1 (procollagen-lysine,2-oxoglutarate 5-dioxygenase 1; plus strand). Cytogenetic location: 1p36.22.
Variant type: single nucleotide variant.
Coding change: c.1756-13C>T on transcript NM_000302.4 (MANE Select); 13 bases into the intron before coding-DNA position 1756, C replaced by T.
Molecular consequence: intron variant.
Genome position (GRCh38, 1-based): chr1:11,970,657, C>T. VCF-style: chr1-11970657-C-T. GRCh37 (hg19) VCF-style: chr1-12030714-C-T.
Other names: c.1897-13C>T (NM_001316320.2).
Identifiers: ClinVar variation 392220 (VCV000392220.19), dbSNP rs370882934, ClinGen allele CA598547.
Genomic context (GRCh38, chr1:11,970,657, plus strand): 5'-AGGAGAGGGGAGTAGACAGAGCCTGGGGGCCATCCTAGAATTCTGCCTAAACATTCACCT[C>T]GGTCACCTCCAGGACAACCGCATCCAGGGTGGCTACGAGAACGTGCCGACTATTGACATC-3'